The following is an entry in ClinVar:

NM_005732.4(RAD50):c.19A>G (p.Met7Val)

Gene: RAD50 (RAD50 double strand break repair protein; plus strand). Cytogenetic location: 5q31.1.
Variant type: single nucleotide variant.
Coding change: c.19A>G on transcript NM_005732.4 (MANE Select); coding-DNA position 19, A replaced by G.
Protein change: p.Met7Val; replaces methionine 7 with valine.
Molecular consequence: missense variant.
Genome position (GRCh38, 1-based): chr5:132,557,343, A>G. VCF-style: chr5-132557343-A-G. GRCh37 (hg19) VCF-style: chr5-131893035-A-G.
Other names: short protein forms M7V.
Identifiers: ClinVar variation 2877454 (VCV002877454.3), dbSNP rs2479573814, ClinGen allele CA360950795.
Genomic context (GRCh38, chr5:132,557,343, plus strand): 5'-GTGGGCTCCAGGTCCCTGGTGAGATTAGAAACGTTTGCAAACATGTCCCGGATCGAAAAG[A>G]TGAGCATTCTGGGCGTGCGGAGTTTTGGAATAGAGGACAAAGATAAGCAAATTATCACTT-3'
Protein context (NP_005723.2, residues 1-17): MSRIEK[Met7Val]SILGVRSFGI

ClinVar aggregate classification (germline): Uncertain significance (1 of 4 stars; one submission).

Conditions:
Hereditary cancer-predisposing syndrome. Also called: Hereditary Cancer Syndrome; Hereditary neoplastic syndrome; Tumor predisposition; Neoplastic Syndromes, Hereditary. Identifiers: Orphanet 140162, MedGen C0027672, MeSH D009386, MONDO:0015356.

Submission:

Labcorp Genetics (formerly Invitae), Labcorp
Classification: Uncertain significance for Hereditary cancer-predisposing syndrome. Last evaluated: 2023-10-18. Review status: criteria provided, single submitter. Criteria: Invitae Variant Classification Sherloc (09022015). Collection method: clinical testing. Allele origin: germline.
Comment: This sequence change replaces methionine, which is neutral and non-polar, with valine, which is neutral and non-polar, at codon 7 of the RAD50 protein (p.Met7Val). This variant is not present in population databases (gnomAD no frequency). This variant has not been reported in the literature in individuals affected with RAD50-related conditions. Advanced modeling of protein sequence and biophysical properties (such as structural, functional, and spatial information, amino acid conservation, physicochemical variation, residue mobility, and thermodynamic stability) performed at Invitae indicates that this missense variant is expected to disrupt RAD50 protein function. Algorithms developed to predict the effect of sequence changes on RNA splicing suggest that this variant may disrupt the consensus splice site. In summary, the available evidence is currently insufficient to determine the role of this variant in disease. Therefore, it has been classified as a Variant of Uncertain Significance.